The following is an entry in ClinVar:

ClinVar aggregate classification (germline): Likely benign (1 of 4 stars; one submission).

Allele frequency attached by ClinVar (database versions not stated): ExAC 0.00012; gnomAD 0.00022; TOPMed 0.00040; gnomAD exomes 0.00048.
gnomAD v4.1: 742 of 1,609,200 alleles (0.046%); highest among the groups gnomAD compares: Non-Finnish European, 0.059%; 1 homozygote.

Submission:

CeGaT Center for Human Genetics Tuebingen
Classification: Likely benign. Last evaluated: 2024-03-01. Review status: criteria provided, single submitter. Criteria: CeGaT Center For Human Genetics Tuebingen Variant Classification Criteria Version 2. Collection method: clinical testing. Allele origin: germline. Affected: yes. Observed: 1 variant allele.
Comment: IL17RC: BP4, BP7

NM_153460.4(IL17RC):c.1523-33A>C

Gene: IL17RC (interleukin 17 receptor C; plus strand). Cytogenetic location: 3p25.3.
Variant type: single nucleotide variant.
Coding change: c.1523-33A>C on transcript NM_153460.4 (MANE Select); 33 bases into the intron before coding-DNA position 1523, A replaced by C.
Molecular consequence: intron variant.
Genome position (GRCh38, 1-based): chr3:9,932,920, A>C. VCF-style: chr3-9932920-A-C. GRCh37 (hg19) VCF-style: chr3-9974604-A-C.
Other names: c.1736-33A>C (NM_153461.4); c.1484-33A>C (NM_001203263.2); c.1433-33A>C (NM_001203264.2); c.1445-33A>C (NM_001367278.1); c.1478-33A>C (NM_032732.6); c.1439-33A>C (NM_001367280.1); c.1427-33A>C (NM_001203265.2); c.1388-33A>C (NM_001410711.1); and 1 more.
Identifiers: ClinVar variation 3067339 (VCV003067339.21), dbSNP rs768689205, ClinGen allele CA2247343.